The following is an entry in ClinVar:

ClinVar aggregate classification (germline): Benign (1 of 4 stars; one submission).

Submission:

GeneDx
Classification: Benign. Last evaluated: 2021-05-25. Review status: criteria provided, single submitter. Criteria: GeneDx Variant Classification Process June 2021. Collection method: clinical testing. Allele origin: germline. Affected: yes.
Comment: This variant is associated with the following publications: (PMID: 22230814)

NM_002256.4(KISS1):c.407_*9dup (p.Gly136_Ter139=)

Gene: KISS1 (KiSS-1 metastasis suppressor; minus strand). Cytogenetic location: 1q32.1.
Variant type: Duplication.
Coding change: c.407_*9dup on transcript NM_002256.4 (MANE Select); coding-DNA position 407 through 9 bases downstream of the stop codon, 20 bases duplicated (GGCGGGGCTGAGGGCGCAGG).
Protein change: p.Gly136_Ter139=.
Molecular consequence: no sequence alteration.
Genome position (GRCh38, 1-based): chr1:204,190,475-204,190,494, CCTGCGCCCTCAGCCCCGCC duplicated on the plus strand (GGCGGGGCTGAGGGCGCAGG on the coding strand, the reverse complement: KISS1 is on the minus strand); duplicating any 20 consecutive bases within chr1:204,190,475-204,190,495 gives the same sequence; the c. name uses the placement nearest the transcript's 3' end. VCF-style (leftmost placement, unchanged base first): chr1-204190474-A-ACCTGCGCCCTCAGCCCCGCC. GRCh37 (hg19) VCF-style: chr1-204159602-A-ACCTGCGCCCTCAGCCCCGCC.
Identifiers: ClinVar variation 1226970 (VCV001226970.3), dbSNP rs746113335, ClinGen allele CA1345106.